The following is an entry in ClinVar:

NM_001378457.1(DMXL2):c.7493A>C (p.Gln2498Pro)

Gene: DMXL2 (Dmx like 2; minus strand). Cytogenetic location: 15q21.2.
Variant type: single nucleotide variant.
Coding change: c.7493A>C on transcript NM_001378457.1 (MANE Select); coding-DNA position 7493, A replaced by C.
Protein change: p.Gln2498Pro; replaces glutamine 2498 with proline.
Molecular consequence: missense variant. On other transcripts: non-coding transcript variant (2).
Genome position (GRCh38, 1-based): chr15:51,466,211, T>G on the plus strand (A>C on the coding strand, the complement: DMXL2 is on the minus strand). VCF-style: chr15-51466211-T-G. GRCh37 (hg19) VCF-style: chr15-51758408-T-G.
Other names: c.7493A>C, p.Gln2498Pro (NM_001174116.3, NM_001378459.1, NM_001378461.1 and 1 more transcripts); c.5582A>C, p.Gln1861Pro (NM_001174117.3); c.7490A>C, p.Gln2497Pro (NM_001378458.1, NM_001378462.1, NM_015263.5); c.5471A>C, p.Gln1824Pro (NM_001378460.1); c.7250A>C, p.Gln2417Pro (NM_001378464.1); short protein forms Q2498P, Q1824P, Q1861P, Q2417P, Q2497P.
Identifiers: ClinVar variation 2783221 (VCV002783221.3), dbSNP rs763269833, ClinGen allele CA7561311.
Genomic context (GRCh38, chr15:51,466,211, plus strand): 5'-AAAAAAAATGAGAGAAAGAAAAGTCTTATTTACCTATAGGAATTTGGATCTTGGTGCTCC[T>G]GTATTTGTGTATCTGAAAAAAAGGCATCATCTTCTTCATCACTATGAATGCTTTCATCAG-3'
Protein context (NP_001365386.1, residues 2488-2508): DDAFFSDTQI[Gln2498Pro]EHQDPNSYSW

ClinVar aggregate classification (germline): Uncertain significance (1 of 4 stars; one submission).

Allele frequency attached by ClinVar (database versions not stated): gnomAD exomes below 0.00001; ExAC 0.00001.
gnomAD v4.1: 2 of 1,572,436 alleles (0.00013%); highest among the groups gnomAD compares: South Asian, 0.0025%; no homozygotes.

Submission:

Labcorp Genetics (formerly Invitae), Labcorp
Classification: Uncertain significance. Last evaluated: 2022-10-27. Review status: criteria provided, single submitter. Criteria: Invitae Variant Classification Sherloc (09022015). Collection method: clinical testing. Allele origin: germline.
Comment: In summary, the available evidence is currently insufficient to determine the role of this variant in disease. Therefore, it has been classified as a Variant of Uncertain Significance. Algorithms developed to predict the effect of missense changes on protein structure and function (SIFT, PolyPhen-2, Align-GVGD) all suggest that this variant is likely to be tolerated. This variant has not been reported in the literature in individuals affected with DMXL2-related conditions. This variant is not present in population databases (gnomAD no frequency). This sequence change replaces glutamine, which is neutral and polar, with proline, which is neutral and non-polar, at codon 2498 of the DMXL2 protein (p.Gln2498Pro).